The following is an entry in ClinVar:

ClinVar aggregate classification (germline): Conflicting classifications of pathogenicity. Review status: criteria provided, conflicting classifications (1 of 4 stars). 2 submissions from 2 submitters: Likely pathogenic (1); Uncertain significance (1). Last evaluated 2022-10-04.

Conditions:
Cyclical neutropenia. Also called: Cyclic hematopoiesis; Cyclic Neutropenia. Identifiers: Orphanet 2686, MedGen C0221023, MONDO:0008090, OMIM 162800, HP:0040289. Disease mechanism: loss of function.
Neutropenia, severe congenital, 1, autosomal dominant. Identifiers: MedGen C1859966, MONDO:0042490, OMIM 202700.

Submissions (2):

Labcorp Genetics (formerly Invitae), Labcorp
Classification: Uncertain significance for Neutropenia, severe congenital, 1, autosomal dominant; Cyclical neutropenia. Last evaluated: 2022-10-04. Review status: criteria provided, single submitter. Criteria: Invitae Variant Classification Sherloc (09022015). Collection method: clinical testing. Allele origin: germline.
Comment: In summary, the available evidence is currently insufficient to determine the role of this variant in disease. Therefore, it has been classified as a Variant of Uncertain Significance. Experimental studies and prediction algorithms are not available or were not evaluated, and the functional significance of this variant is currently unknown. This variant has not been reported in the literature in individuals affected with ELANE-related conditions. This variant is not present in population databases (gnomAD no frequency). This sequence change creates a premature translational stop signal (p.Gly33Alafs*27) in the ELANE gene. It is expected to result in an absent or disrupted protein product. However, the current clinical and genetic evidence is not sufficient to establish whether loss-of-function variants in ELANE cause disease.

Revvity Omics, Revvity
Classification: Likely pathogenic. Last evaluated: 2022-09-06. Review status: criteria provided, single submitter. Criteria: ACMG Guidelines, 2015. Collection method: clinical testing. Allele origin: germline.

NM_001972.4(ELANE):c.98del (p.Gly33fs)

Gene: ELANE (elastase, neutrophil expressed; plus strand). Cytogenetic location: 19p13.3.
Variant type: Deletion.
Coding change: c.98del on transcript NM_001972.4 (MANE Select); coding-DNA position 98, one base deleted (G; older notation c.98delG).
Protein change: p.Gly33fs; shifts the reading frame from glycine 33.
Molecular consequence: frameshift variant.
Genome position (GRCh38, 1-based): chr19:852,906, G deleted; the last of 6 consecutive G bases (chr19:852,901-852,906); deleting any one gives the same sequence. VCF-style (leftmost placement, unchanged base first): chr19-852900-TG-T. GRCh37 (hg19) VCF-style: chr19-852900-TG-T.
Other names: short protein forms G33fs.
Identifiers: ClinVar variation 2060033 (VCV002060033.7), dbSNP rs2512164434, ClinGen allele CA645613900.